The following is an entry in ClinVar:

NM_001378743.1(CYLD):c.1933G>A (p.Val645Ile)

Genes: CYLD (CYLD lysine 63 deubiquitinase; plus strand), CYLD-AS2 (CYLD antisense RNA 2; minus strand). Cytogenetic location: 16q12.1.
Variant type: single nucleotide variant.
Coding change: c.1933G>A on transcript NM_001378743.1 (MANE Select); coding-DNA position 1933, G replaced by A.
Protein change: p.Val645Ile; replaces valine 645 with isoleucine.
Molecular consequence: missense variant. On other transcripts: non-coding transcript variant (1).
Genome position (GRCh38, 1-based): chr16:50,784,435, G>A. VCF-style: chr16-50784435-G-A. GRCh37 (hg19) VCF-style: chr16-50818346-G-A.
Other names: c.1924G>A, p.Val642Ile (NM_001042355.2, NM_001042412.3, NM_001378744.1 and 6 more transcripts); c.1894G>A, p.Val632Ile (NM_001378751.1, NM_001378752.1, NM_001378753.1); c.1258G>A, p.Val420Ile (NM_001378754.1, NM_001378755.1); c.1933G>A, p.Val645Ile (NM_015247.3); short protein forms V645I, V642I, V420I, V632I.
Identifiers: ClinVar variation 133955 (VCV000133955.4), dbSNP rs587778223, ClinGen allele CA158234.

ClinVar aggregate classification (germline): Uncertain significance. Review status: criteria provided, multiple submitters, no conflicts (2 of 4 stars). 3 submissions from 3 submitters: Uncertain significance (2). 1 of the submissions does not count toward it. Last evaluated 2025-03-12.

Conditions:
Frontotemporal dementia and/or amyotrophic lateral sclerosis 8. Identifiers: MedGen C5436881, MONDO:0030872, OMIM 619132.

Allele frequency attached by ClinVar (database versions not stated): ExAC 0.00001; gnomAD 0.00002; gnomAD exomes 0.00003; TOPMed 0.00004.
gnomAD v4.1: 69 of 1,612,970 alleles (0.0043%); highest among the groups gnomAD compares: Admixed American, 0.0083%; no homozygotes.

Submissions (3):

Labcorp Genetics (formerly Invitae), Labcorp
Classification: Uncertain significance. Last evaluated: 2025-03-12. Review status: criteria provided, single submitter. Criteria: Invitae Variant Classification Sherloc (09022015). Collection method: clinical testing. Allele origin: germline.
Comment: This sequence change replaces valine, which is neutral and non-polar, with isoleucine, which is neutral and non-polar, at codon 645 of the CYLD protein (p.Val645Ile). This variant is present in population databases (rs587778223, gnomAD 0.01%). This variant has not been reported in the literature in individuals affected with CYLD-related conditions. ClinVar contains an entry for this variant (Variation ID: 133955). Invitae Evidence Modeling of protein sequence and biophysical properties (such as structural, functional, and spatial information, amino acid conservation, physicochemical variation, residue mobility, and thermodynamic stability) indicates that this missense variant is expected to disrupt CYLD protein function with a positive predictive value of 80%. In summary, the available evidence is currently insufficient to determine the role of this variant in disease. Therefore, it has been classified as a Variant of Uncertain Significance.

Baylor Genetics
Classification: Uncertain significance for Frontotemporal dementia and/or amyotrophic lateral sclerosis 8. Last evaluated: 2024-03-28. Review status: criteria provided, single submitter. Criteria: ACMG Guidelines, 2015. Collection method: clinical testing. Allele origin: unknown.

ITMI
No classification provided. Condition: AllHighlyPenetrant. Last evaluated: 2013-09-19. Review status: no classification provided. Collection method: reference population. Allele origin: germline. Not counted in ClinVar's aggregate classification.
Comment: Please see associated publication for description of ethnicities

Literature cited by the submitters: PubMed 24728327 (cited by ITMI).